The following is an entry in ClinVar:

ClinVar aggregate classification (germline): Uncertain significance (1 of 4 stars; one submission).

Allele frequency attached by ClinVar (database versions not stated): gnomAD 0.00001; gnomAD exomes 0.00001; TOPMed 0.00001; ExAC 0.00002.
gnomAD v4.1: 11 of 1,613,776 alleles (0.00068%); highest among the groups gnomAD compares: Non-Finnish European, 0.00093%; no homozygotes.

Submission:

Labcorp Genetics (formerly Invitae), Labcorp
Classification: Uncertain significance. Last evaluated: 2021-10-12. Review status: criteria provided, single submitter. Criteria: Invitae Variant Classification Sherloc (09022015). Collection method: clinical testing. Allele origin: germline.
Comment: This sequence change replaces proline with serine at codon 238 of the PKDCC protein (p.Pro238Ser). The proline residue is highly conserved and there is a moderate physicochemical difference between proline and serine. This variant is present in population databases (rs768587129, ExAC 0.003%). This variant has not been reported in the literature in individuals affected with PKDCC-related conditions. Algorithms developed to predict the effect of missense changes on protein structure and function (SIFT, PolyPhen-2, Align-GVGD) all suggest that this variant is likely to be disruptive. In summary, the available evidence is currently insufficient to determine the role of this variant in disease. Therefore, it has been classified as a Variant of Uncertain Significance.

NM_138370.3(PKDCC):c.712C>T (p.Pro238Ser)

Gene: PKDCC (protein kinase domain containing, cytoplasmic; plus strand). Cytogenetic location: 2p21.
Variant type: single nucleotide variant.
Coding change: c.712C>T on transcript NM_138370.3 (MANE Select); coding-DNA position 712, C replaced by T.
Protein change: p.Pro238Ser; replaces proline 238 with serine.
Molecular consequence: missense variant.
Genome position (GRCh38, 1-based): chr2:42,053,311, C>T. VCF-style: chr2-42053311-C-T. GRCh37 (hg19) VCF-style: chr2-42280451-C-T.
Other names: short protein forms P238S.
Identifiers: ClinVar variation 1460514 (VCV001460514.3), dbSNP rs768587129, ClinGen allele CA1627984.